The following is an entry in ClinVar:

ClinVar aggregate classification (germline): Likely benign. Review status: criteria provided, multiple submitters, no conflicts (2 of 4 stars). 3 submissions from 3 submitters: Likely benign (3). Last evaluated 2025-12-16.

Allele frequency attached by ClinVar (database versions not stated): gnomAD 0.00007 and 0.00008; 1000 Genomes Project 30x 0.00031; 1000 Genomes Project 0.00040; ExAC 0.00003; gnomAD exomes 0.00004; TOPMed 0.00005.

Submissions (3):

Labcorp Genetics (formerly Invitae), Labcorp
Classification: Likely benign. Last evaluated: 2025-12-16. Review status: criteria provided, single submitter. Criteria: Invitae Variant Classification Sherloc (09022015). Collection method: clinical testing. Allele origin: germline.

CeGaT Center for Human Genetics Tuebingen
Classification: Likely benign. Last evaluated: 2025-07-01. Review status: criteria provided, single submitter. Criteria: CeGaT Center For Human Genetics Tuebingen Variant Classification Criteria Version 2. Collection method: clinical testing. Allele origin: germline. Affected: yes. Observed: 1 variant allele.
Comment: LTBP4: BP4, BP7

GeneDx
Classification: Likely benign. Last evaluated: 2019-05-16. Review status: criteria provided, single submitter. Criteria: GeneDx Variant Classification Process June 2021. Collection method: clinical testing. Allele origin: germline. Affected: yes.

NM_001042545.2(LTBP4):c.4587G>A (p.Thr1529=)

Gene: LTBP4 (latent transforming growth factor beta binding protein 4; plus strand). Cytogenetic location: 19q13.2.
Variant type: single nucleotide variant.
Coding change: c.4587G>A on transcript NM_001042545.2 (MANE Select); coding-DNA position 4587, G replaced by A.
Protein change: p.Thr1529=; no amino-acid change (threonine 1529 retained).
Molecular consequence: synonymous variant.
Genome position (GRCh38, 1-based): chr19:40,629,463, G>A. VCF-style: chr19-40629463-G-A. GRCh37 (hg19) VCF-style: chr19-41135368-G-A.
Other names: c.4788G>A, p.Thr1596= (NM_001042544.1); c.4677G>A, p.Thr1559= (NM_003573.2).
Identifiers: ClinVar variation 1218990 (VCV001218990.17), dbSNP rs192762064, ClinGen allele CA9449385.